The following is an entry in ClinVar:

ClinVar aggregate classification (germline): Conflicting classifications of pathogenicity. Review status: criteria provided, conflicting classifications (1 of 4 stars). 4 submissions from 4 submitters: Uncertain significance (2); Likely benign (2). Last evaluated 2025-09-02.

Conditions:
Microcephaly 5, primary, autosomal recessive (MCPH5). Also called: ASPM Primary Microcephaly. Identifiers: Orphanet 2512, MedGen C1837501, MONDO:0012106, OMIM 608716.

Allele frequency attached by ClinVar (database versions not stated): gnomAD 0.00002 and 0.00003; gnomAD exomes 0.00002 and 0.00003; TOPMed 0.00002; ExAC 0.00003; ESP Exome Variant Server 0.00008.
gnomAD v4.1: 32 of 1,599,180 alleles (0.002%); highest among the groups gnomAD compares: Middle Eastern, 0.084%; no homozygotes.

Submissions (4):

Labcorp Genetics (formerly Invitae), Labcorp
Classification: Likely benign. Last evaluated: 2025-09-02. Review status: criteria provided, single submitter. Criteria: Invitae Variant Classification Sherloc (09022015). Collection method: clinical testing. Allele origin: germline.

CeGaT Center for Human Genetics Tuebingen
Classification: Likely benign. Last evaluated: 2024-08-01. Review status: criteria provided, single submitter. Criteria: CeGaT Center For Human Genetics Tuebingen Variant Classification Criteria Version 2. Collection method: clinical testing. Allele origin: germline. Affected: yes. Observed: 2 variant alleles.
Comment: ASPM: BP4, BP7

Illumina Laboratory Services, Illumina
Classification: Uncertain significance for Microcephaly 5, primary, autosomal recessive. Last evaluated: 2018-01-13. Review status: criteria provided, single submitter. Criteria: ICSL Variant Classification Criteria 13 December 2019. Collection method: clinical testing. Allele origin: germline.

Breakthrough Genomics
Classification: Uncertain significance. Review status: criteria provided, single submitter. Criteria: ACMG Guidelines, 2015. Collection method: not provided. Allele origin: germline. Inheritance: Autosomal recessive inheritance. Affected: yes.

NM_018136.5(ASPM):c.4488A>G (p.Lys1496=)

Gene: ASPM (assembly factor for spindle microtubules; minus strand). Cytogenetic location: 1q31.3.
Variant type: single nucleotide variant.
Coding change: c.4488A>G on transcript NM_018136.5 (MANE Select); coding-DNA position 4488, A replaced by G.
Protein change: p.Lys1496=; no amino-acid change (lysine 1496 retained).
Molecular consequence: synonymous variant. On other transcripts: intron variant (1).
Genome position (GRCh38, 1-based): chr1:197,104,763, T>C on the plus strand (A>G on the coding strand, the complement: ASPM is on the minus strand). VCF-style: chr1-197104763-T-C. GRCh37 (hg19) VCF-style: chr1-197073893-T-C.
Other names: c.4066-8599A>G (NM_001206846.2).
Identifiers: ClinVar variation 876857 (VCV000876857.30), dbSNP rs141695023, ClinGen allele CA1309919.
Genomic context (GRCh38, chr1:197,104,763, plus strand): 5'-GGTTAGTATGGACTCTTTTCTTCTTTTATATAACTTTTGGGCTTGAAAGCACCGAAATCT[T>C]TTCTGAATGATAACAACACAAGATCTAATATAAATATATTTCCGTAATTCTTTATGCATT-3'
Protein context (NP_060606.3, residues 1486-1506): YIRSCVVIIQ[Lys1496=]RFRCFQAQKL